The following is an entry in ClinVar:

ClinVar aggregate classification (germline): Uncertain significance (1 of 4 stars; one submission).

Conditions:
Hereditary cancer-predisposing syndrome. Also called: Neoplastic Syndromes, Hereditary; Tumor predisposition; Hereditary neoplastic syndrome; Hereditary Cancer Syndrome. Identifiers: Orphanet 140162, MedGen C0027672, MeSH D009386, MONDO:0015356.

Submission:

Ambry Genetics
Classification: Uncertain significance for Hereditary cancer-predisposing syndrome. Last evaluated: 2018-08-09. Review status: criteria provided, single submitter. Criteria: Ambry Variant Classification Scheme 2023. Collection method: clinical testing. Allele origin: germline.
Comment: The p.L1131V variant (also known as c.3391C>G), located in coding exon 5 of the MSH6 gene, results from a C to G substitution at nucleotide position 3391. The leucine at codon 1131 is replaced by valine, an amino acid with highly similar properties. This amino acid position is highly conserved in available vertebrate species. In addition, this alteration is predicted to be deleterious by in silico analysis. In addition, the CoDP in silico tool predicts this alteration to likely impair molecular function, with a score of 0.878 (Terui H et al. J. Biomed. Sci. 2013 Apr;20:25). Since supporting evidence is limited at this time, the clinical significance of this alteration remains unclear.

NM_000179.3(MSH6):c.3391C>G (p.Leu1131Val)

Gene: MSH6 (mutS homolog 6; plus strand). Cytogenetic location: 2p16.3.
Variant type: single nucleotide variant.
Coding change: c.3391C>G on transcript NM_000179.3 (MANE Select); coding-DNA position 3391, C replaced by G.
Protein change: p.Leu1131Val; replaces leucine 1131 with valine.
Molecular consequence: missense variant.
Genome position (GRCh38, 1-based): chr2:47,803,638, C>G. VCF-style: chr2-47803638-C-G. GRCh37 (hg19) VCF-style: chr2-48030777-C-G.
Other names: c.3001C>G, p.Leu1001Val (NM_001281492.2); c.2485C>G, p.Leu829Val (NM_001281493.2, NM_001281494.2); short protein forms L1001V, L1131V, L829V.
Identifiers: ClinVar variation 823714 (VCV000823714.4), dbSNP rs1572735989, ClinGen allele CA346758849.
Genomic context (GRCh38, chr2:47,803,638, plus strand): 5'-AATGACATTCTAATAGGCTGTGAGGAAGAGGAGCAGGAAAATGGCAAAGCCTATTGTGTG[C>G]TTGTTACTGGACCAAATATGGGGGGCAAGTCTACGCTTATGAGACAGGTAACTGATTCTT-3'
Protein context (NP_000170.1, residues 1121-1141): EQENGKAYCV[Leu1131Val]VTGPNMGGKS